The following is an entry in ClinVar:

NM_000702.4(ATP1A2):c.2136G>A (p.Thr712=)

Gene: ATP1A2 (ATPase Na+/K+ transporting subunit alpha 2; plus strand). Cytogenetic location: 1q23.2.
Variant type: single nucleotide variant.
Coding change: c.2136G>A on transcript NM_000702.4 (MANE Select); coding-DNA position 2136, G replaced by A.
Protein change: p.Thr712=; no amino-acid change (threonine 712 retained).
Molecular consequence: synonymous variant.
Genome position (GRCh38, 1-based): chr1:160,135,454, G>A. VCF-style: chr1-160135454-G-A. GRCh37 (hg19) VCF-style: chr1-160105244-G-A.
Identifiers: ClinVar variation 378914 (VCV000378914.11), dbSNP rs760213030, ClinGen allele CA1194685.

ClinVar aggregate classification (germline): Likely benign. Review status: criteria provided, multiple submitters, no conflicts (2 of 4 stars). 3 submissions from 3 submitters: Likely benign (3). Last evaluated 2025-04-14.

Conditions:
Inborn genetic diseases. Identifiers: MedGen C0950123, MeSH D030342.
Familial hemiplegic migraine. Identifiers: MedGen C0338484, MONDO:0000700.

Allele frequency attached by ClinVar (database versions not stated): gnomAD exomes 0.00001 and 0.00002; TOPMed 0.00001; ExAC 0.00002; gnomAD 0.00003.
gnomAD v4.1: 29 of 1,614,084 alleles (0.0018%); highest among the groups gnomAD compares: Non-Finnish European, 0.0023%; no homozygotes.

Submissions (3):

Labcorp Genetics (formerly Invitae), Labcorp
Classification: Likely benign for Familial hemiplegic migraine. Last evaluated: 2025-04-14. Review status: criteria provided, single submitter. Criteria: Invitae Variant Classification Sherloc (09022015). Collection method: clinical testing. Allele origin: germline.

Ambry Genetics
Classification: Likely benign for Inborn genetic diseases. Last evaluated: 2016-07-14. Review status: criteria provided, single submitter. Criteria: Ambry Variant Classification Scheme 2023. Collection method: clinical testing. Allele origin: germline.

GeneDx
Classification: Likely benign. Last evaluated: 2015-12-24. Review status: criteria provided, single submitter. Criteria: GeneDx Variant Classification (06012015). Collection method: clinical testing. Allele origin: germline. Affected: yes.
Comment: This variant is considered likely benign or benign based on one or more of the following criteria: it is a conservative change, it occurs at a poorly conserved position in the protein, it is predicted to be benign by multiple in silico algorithms, and/or has population frequency not consistent with disease.